The following is an entry in ClinVar:

NM_000505.4(F12):c.894_911dup (p.Gln300_Thr305dup)

Gene: F12 (coagulation factor XII; minus strand). Cytogenetic location: 5q35.3.
Variant type: Duplication.
Coding change: c.894_911dup on transcript NM_000505.4 (MANE Select); coding-DNA positions 894 to 911, 18 bases duplicated (AACCCAGGCGGCGCCTCC).
Protein change: p.Gln300_Thr305dup.
Molecular consequence: inframe insertion.
Genome position (GRCh38, 1-based): chr5:177,404,303-177,404,320, GGAGGCGCCGCCTGGGTT duplicated on the plus strand (AACCCAGGCGGCGCCTCC on the coding strand, the reverse complement: F12 is on the minus strand); duplicating any 18 consecutive bases within chr5:177,404,303-177,404,322 gives the same sequence; the c. name uses the placement nearest the transcript's 3' end. VCF-style (leftmost placement, unchanged base first): chr5-177404302-C-CGGAGGCGCCGCCTGGGTT. GRCh37 (hg19) VCF-style: chr5-176831303-C-CGGAGGCGCCGCCTGGGTT.
Identifiers: ClinVar variation 403709 (VCV000403709.2), dbSNP rs774034606, ClinGen allele CA3581349.

ClinVar aggregate classification (germline): Pathogenic (0 of 4 stars; one submission).

Conditions:
Hereditary angioedema type 3 (HAE3). Also called: ANGIONEUROTIC EDEMA, HEREDITARY, WITH NORMAL C1 INHIBITOR CONCENTRATION AND FUNCTION; ESTROGEN-RELATED HAE; ESTROGEN-SENSITIVE HAE; HAE WITH NORMAL C1 INHIBITOR CONCENTRATION AND FUNCTION. Identifiers: Orphanet 100054, MedGen C1857728, MONDO:0012526, OMIM 610618.

Submission:

Nöthen Lab, Institute of Human Genetics, University Hospital Bonn
Classification: Pathogenic for Hereditary angioedema type 3. Review status: no assertion criteria provided. Collection method: literature only. Allele origin: germline. Inheritance: Autosomal dominant inheritance. Affected: yes. Observed: 1 variant allele, 1 heterozygote.
Comment: Located in the same proline-rich region like the three other reported variants causative for hereditary angioedema type III, it can be assumed that this duplication has similar functional consequences like the other variants but no functional investigations have been performed yet.